The following is an entry in ClinVar:

NM_001329943.3(KIAA0586):c.374G>A (p.Gly125Glu)

Gene: KIAA0586 (KIAA0586; plus strand). Cytogenetic location: 14q23.1.
Variant type: single nucleotide variant.
Coding change: c.374G>A on transcript NM_001329943.3 (MANE Select); coding-DNA position 374, G replaced by A.
Protein change: p.Gly125Glu; replaces glycine 125 with glutamic acid.
Molecular consequence: missense variant.
Genome position (GRCh38, 1-based): chr14:58,432,421, G>A. VCF-style: chr14-58432421-G-A. GRCh37 (hg19) VCF-style: chr14-58899139-G-A.
Other names: c.410G>A, p.Gly137Glu (NM_001244189.2); c.329G>A, p.Gly110Glu (NM_001244190.2); c.119G>A, p.Gly40Glu (NM_001244191.2, NM_001244192.2, NM_001329945.2 and 2 more transcripts); c.374G>A, p.Gly125Glu (NM_001329944.2, NM_001329946.2, NM_001329947.2 and 1 more transcripts); short protein forms G137E, G110E, G125E, G40E.
Identifiers: ClinVar variation 2061683 (VCV002061683.3), dbSNP rs1050029652, ClinGen allele CA261634330.

ClinVar aggregate classification (germline): Uncertain significance (1 of 4 stars; one submission).

Conditions:
Short-rib thoracic dysplasia 14 with polydactyly (SRTD14). Identifiers: Orphanet 397715, MedGen C4225286, MONDO:0014688, OMIM 616546.
Joubert syndrome 23 (JBTS23). Identifiers: Orphanet 475, MedGen C4084822, MONDO:0014664, OMIM 616490.

Allele frequency attached by ClinVar (database versions not stated): gnomAD exomes below 0.00001; TOPMed 0.00002; gnomAD 0.00003.
gnomAD v4.1: 8 of 1,569,370 alleles (0.00051%); highest among the groups gnomAD compares: African/African-American, 0.0055%; no homozygotes.

Submission:

Labcorp Genetics (formerly Invitae), Labcorp
Classification: Uncertain significance for Joubert syndrome 23; Short-rib thoracic dysplasia 14 with polydactyly. Last evaluated: 2022-07-14. Review status: criteria provided, single submitter. Criteria: Invitae Variant Classification Sherloc (09022015). Collection method: clinical testing. Allele origin: germline.
Comment: This sequence change replaces glycine, which is neutral and non-polar, with glutamic acid, which is acidic and polar, at codon 137 of the KIAA0586 protein (p.Gly137Glu). This variant is present in population databases (no rsID available, gnomAD 0.02%). This variant has not been reported in the literature in individuals affected with KIAA0586-related conditions. Algorithms developed to predict the effect of missense changes on protein structure and function are either unavailable or do not agree on the potential impact of this missense change (SIFT: "Deleterious"; PolyPhen-2: "Probably Damaging"; Align-GVGD: "Class C0"). In summary, the available evidence is currently insufficient to determine the role of this variant in disease. Therefore, it has been classified as a Variant of Uncertain Significance.